The following is an entry in ClinVar:

NM_002439.5(MSH3):c.2942C>T (p.Thr981Met)

Gene: MSH3 (mutS homolog 3; plus strand). Cytogenetic location: 5q14.1.
Variant type: single nucleotide variant.
Coding change: c.2942C>T on transcript NM_002439.5 (MANE Select); coding-DNA position 2942, C replaced by T.
Protein change: p.Thr981Met; replaces threonine 981 with methionine.
Molecular consequence: missense variant.
Genome position (GRCh38, 1-based): chr5:80,854,258, C>T. VCF-style: chr5-80854258-C-T. GRCh37 (hg19) VCF-style: chr5-80150077-C-T.
Other names: short protein forms T981M.
Identifiers: ClinVar variation 945674 (VCV000945674.13), dbSNP rs761465174, ClinGen allele CA3328400.

ClinVar aggregate classification (germline): Uncertain significance. Review status: criteria provided, multiple submitters, no conflicts (2 of 4 stars). 2 submissions from 2 submitters: Uncertain significance (2). Last evaluated 2025-11-10.

Conditions:
Hereditary cancer-predisposing syndrome. Also called: Neoplastic Syndromes, Hereditary; Hereditary Cancer Syndrome; Tumor predisposition; Hereditary neoplastic syndrome. Identifiers: Orphanet 140162, MedGen C0027672, MeSH D009386, MONDO:0015356.

Allele frequency attached by ClinVar (database versions not stated): gnomAD exomes below 0.00001; ExAC 0.00001.
gnomAD v4.1: 3 of 1,613,822 alleles (0.00019%); highest among the groups gnomAD compares: Non-Finnish European, 0.00017%; no homozygotes.

Submissions (2):

Ambry Genetics
Classification: Uncertain significance for Hereditary cancer-predisposing syndrome. Last evaluated: 2025-11-10. Review status: criteria provided, single submitter. Criteria: Ambry Variant Classification Scheme 2023. Collection method: clinical testing. Allele origin: germline.
Comment: The p.T981M variant (also known as c.2942C>T), located in coding exon 21 of the MSH3 gene, results from a C to T substitution at nucleotide position 2942. The threonine at codon 981 is replaced by methionine, an amino acid with similar properties. This amino acid position is highly conserved in available vertebrate species. In addition, this alteration is predicted to be deleterious by in silico analysis. Since supporting evidence is limited at this time, the clinical significance of this alteration remains unclear.

Labcorp Genetics (formerly Invitae), Labcorp
Classification: Uncertain significance. Last evaluated: 2025-06-29. Review status: criteria provided, single submitter. Criteria: Invitae Variant Classification Sherloc (09022015). Collection method: clinical testing. Allele origin: germline.
Comment: This sequence change replaces threonine, which is neutral and polar, with methionine, which is neutral and non-polar, at codon 981 of the MSH3 protein (p.Thr981Met). This variant is present in population databases (rs761465174, gnomAD 0.004%). This variant has not been reported in the literature in individuals affected with MSH3-related conditions. ClinVar contains an entry for this variant (Variation ID: 945674). An algorithm developed to predict the effect of missense changes on protein structure and function (PolyPhen-2) suggests that this variant is likely to be disruptive. In summary, the available evidence is currently insufficient to determine the role of this variant in disease. Therefore, it has been classified as a Variant of Uncertain Significance.